The following is an entry in ClinVar:

ClinVar aggregate classification (germline): Uncertain significance. Review status: criteria provided, multiple submitters, no conflicts (2 of 4 stars). 2 submissions from 2 submitters: Uncertain significance (2). Last evaluated 2025-12-16.

Conditions:
RASopathy. Also called: rasopathies; Noonan spectrum disorder. Identifiers: Orphanet 536391, MedGen C5555857, MONDO:0021060.

Allele frequency attached by ClinVar (database versions not stated): gnomAD exomes below 0.00001.
gnomAD v4.1: 1 of 1,609,042 alleles (0.000062%); highest among the groups gnomAD compares: Non-Finnish European, 0.000085%; no homozygotes.

Submissions (2):

Labcorp Genetics (formerly Invitae), Labcorp
Classification: Uncertain significance for RASopathy. Last evaluated: 2025-12-16. Review status: criteria provided, single submitter. Criteria: Invitae Variant Classification Sherloc (09022015). Collection method: clinical testing. Allele origin: germline.
Comment: This sequence change replaces arginine, which is basic and polar, with glutamine, which is neutral and polar, at codon 401 of the RAF1 protein (p.Arg401Gln). This variant is not present in population databases (gnomAD no frequency). This variant has not been reported in the literature in individuals affected with RAF1-related conditions. ClinVar contains an entry for this variant (Variation ID: 1207953). Invitae Evidence Modeling incorporating data from in vitro experimental studies (internal data) indicates that this missense variant is not expected to disrupt RAF1 function with a negative predictive value of 95%. In summary, the available evidence is currently insufficient to determine the role of this variant in disease. Therefore, it has been classified as a Variant of Uncertain Significance.

GeneDx
Classification: Uncertain significance. Last evaluated: 2020-09-22. Review status: criteria provided, single submitter. Criteria: GeneDx Variant Classification Process June 2021. Collection method: clinical testing. Allele origin: germline. Affected: yes.
Comment: Not observed in large population cohorts (Lek et al., 2016); Missense variants in this gene are often considered pathogenic (Stenson et al., 2014); In silico analysis supports that this missense variant has a deleterious effect on protein structure/function; Has not been previously published as pathogenic or benign to our knowledge

NM_002880.4(RAF1):c.1202G>A (p.Arg401Gln)

Gene: RAF1 (Raf-1 proto-oncogene, serine/threonine kinase; minus strand). Cytogenetic location: 3p25.2.
Variant type: single nucleotide variant.
Coding change: c.1202G>A on transcript NM_002880.4 (MANE Select); coding-DNA position 1202, G replaced by A.
Protein change: p.Arg401Gln; replaces arginine 401 with glutamine.
Molecular consequence: missense variant. On other transcripts: non-coding transcript variant (3).
Genome position (GRCh38, 1-based): chr3:12,590,966, C>T on the plus strand (G>A on the coding strand, the complement: RAF1 is on the minus strand). VCF-style: chr3-12590966-C-T. GRCh37 (hg19) VCF-style: chr3-12632465-C-T.
Other names: c.1262G>A, p.Arg421Gln (NM_001354689.3); c.1202G>A, p.Arg401Gln (NM_001354690.3); c.959G>A, p.Arg320Gln (NM_001354691.3, NM_001354692.3); c.1103G>A, p.Arg368Gln (NM_001354693.3); c.1019G>A, p.Arg340Gln (NM_001354694.3); c.860G>A, p.Arg287Gln (NM_001354695.3); short protein forms R287Q, R320Q, R340Q, R368Q, R401Q, R421Q.
Identifiers: ClinVar variation 1207953 (VCV001207953.4), dbSNP rs2125343625, ClinGen allele CA351502702.